The following is an entry in ClinVar:

ClinVar aggregate classification (germline): Uncertain significance. Review status: criteria provided, multiple submitters, no conflicts (2 of 4 stars). 3 submissions from 3 submitters: Uncertain significance (3). Last evaluated 2024-09-19.

Conditions:
Loeys-Dietz syndrome 2 (LDS2). Also called: Marfan syndrome, type 2 (formerly); Marfan Syndrome type 2; Marfan like connective tissue disorder; MFS 2; AORTIC ANEURYSM, FAMILIAL THORACIC 3; MARFAN SYNDROME, TYPE II. Identifiers: Orphanet 284973, Orphanet 558, MedGen C2674574, MONDO:0012427, OMIM 610168.

Allele frequency attached by ClinVar (database versions not stated): gnomAD exomes below 0.00001.
gnomAD v4.1: 2 of 1,614,214 alleles (0.00012%); highest among the groups gnomAD compares: Middle Eastern, 0.017%; no homozygotes.

Submissions (3):

Labcorp Genetics (formerly Invitae), Labcorp
Classification: Uncertain significance for Loeys-Dietz syndrome 2. Last evaluated: 2024-09-19. Review status: criteria provided, single submitter. Criteria: Invitae Variant Classification Sherloc (09022015). Collection method: clinical testing. Allele origin: germline.
Comment: This sequence change replaces histidine, which is basic and polar, with arginine, which is basic and polar, at codon 467 of the TMPO protein (p.His467Arg). This variant is present in population databases (no rsID available, gnomAD no frequency). This variant has not been reported in the literature in individuals affected with TMPO-related conditions. ClinVar contains an entry for this variant (Variation ID: 929003). Invitae Evidence Modeling of protein sequence and biophysical properties (such as structural, functional, and spatial information, amino acid conservation, physicochemical variation, residue mobility, and thermodynamic stability) indicates that this missense variant is not expected to disrupt TMPO protein function with a negative predictive value of 80%. In summary, the available evidence is currently insufficient to determine the role of this variant in disease. Therefore, it has been classified as a Variant of Uncertain Significance.

Ambry Genetics
Classification: Uncertain significance. Last evaluated: 2024-02-12. Review status: criteria provided, single submitter. Criteria: Ambry Variant Classification Scheme 2023. Collection method: clinical testing. Allele origin: germline.
Comment: The p.H467R variant (also known as c.1400A>G), located in coding exon 4 of the TMPO gene, results from an A to G substitution at nucleotide position 1400. The histidine at codon 467 is replaced by arginine, an amino acid with highly similar properties. This amino acid position is conserved. In addition, this alteration is predicted to be tolerated by in silico analysis. Based on the available evidence, the clinical significance of this alteration remains unclear.

Women's Health and Genetics/Laboratory Corporation of America, LabCorp
Classification: Uncertain significance. Last evaluated: 2019-06-17. Review status: criteria provided, single submitter. Criteria: LabCorp Variant Classification Summary - May 2015. Collection method: clinical testing. Allele origin: germline.
Comment: Variant summary: TMPO c.1400A>G (p.His467Arg) results in a non-conservative amino acid change located in the Lamina-associated polypeptide 2 alpha, C-terminal domain (IPR021623) of the encoded protein sequence. Three of five in-silico tools predict a benign effect of the variant on protein function. The variant allele was found at a frequency of 4e-06 in 251402 control chromosomes (gnomAD). The available data on variant occurrences in the general population are insufficient to allow any conclusion about variant significance. To our knowledge, no occurrence of c.1400A>G in individuals affected with Cardiomyopathy and no experimental evidence demonstrating its impact on protein function have been reported. No clinical diagnostic laboratories have submitted clinical-significance assessments for this variant to ClinVar after 2014. Based on the evidence outlined above, the variant was classified as uncertain significance.

NM_001032283.3(TMPO):c.565+1819A>G

Gene: TMPO (thymopoietin; plus strand). Cytogenetic location: 12q23.1.
Variant type: single nucleotide variant.
Coding change: c.565+1819A>G on transcript NM_001032283.3 (MANE Select); 1819 bases into the intron after coding-DNA position 565, A replaced by G.
Molecular consequence: intron variant. On other transcripts: missense variant (1).
Genome position (GRCh38, 1-based): chr12:98,533,657, A>G. VCF-style: chr12-98533657-A-G. GRCh37 (hg19) VCF-style: chr12-98927435-A-G.
Other names: c.1400A>G, p.His467Arg (NM_003276.2); c.565+1819A>G (NM_001307975.2, NM_001032284.3); short protein forms H467R.
Identifiers: ClinVar variation 929003 (VCV000929003.4), dbSNP rs1479099731, ClinGen allele CA386153107.